The following is an entry in ClinVar:

NM_004655.4(AXIN2):c.860C>T (p.Ser287Phe)

Gene: AXIN2 (axin 2; minus strand). Cytogenetic location: 17q24.1.
Variant type: single nucleotide variant.
Coding change: c.860C>T on transcript NM_004655.4 (MANE Select); coding-DNA position 860, C replaced by T.
Protein change: p.Ser287Phe; replaces serine 287 with phenylalanine.
Molecular consequence: missense variant.
Genome position (GRCh38, 1-based): chr17:65,549,616, G>A on the plus strand (C>T on the coding strand, the complement: AXIN2 is on the minus strand). VCF-style: chr17-65549616-G-A. GRCh37 (hg19) VCF-style: chr17-63545734-G-A.
Other names: c.860C>T, p.Ser287Phe (NM_001363813.1); short protein forms S287F.
Identifiers: ClinVar variation 1387981 (VCV001387981.6), dbSNP rs2144539436, ClinGen allele CA400679620.
Genomic context (GRCh38, chr17:65,549,616, plus strand): 5'-AGCGCATCACTGGATATCTCACTGTCGTTGGCGCTGGTGGCTGGTGCAAAGACATAGCCA[G>A]AACCTATGTGATAAGGATTAACAGGATCGCTCCTCTTGAAGGACCTATGGGCAAAGTACA-3'
Protein context (NP_004646.3, residues 277-297): SDPVNPYHIG[Ser287Phe]GYVFAPATSA

ClinVar aggregate classification (germline): Uncertain significance (1 of 4 stars; one submission).

Conditions:
Oligodontia-cancer predisposition syndrome. Also called: TOOTH AGENESIS-COLORECTAL CANCER SYNDROME. Identifiers: Orphanet 300576, MedGen C1837750, MONDO:0012075, OMIM 608615. Disease mechanism: loss of function.

Submission:

Labcorp Genetics (formerly Invitae), Labcorp
Classification: Uncertain significance for Oligodontia-cancer predisposition syndrome. Last evaluated: 2023-10-13. Review status: criteria provided, single submitter. Criteria: Invitae Variant Classification Sherloc (09022015). Collection method: clinical testing. Allele origin: germline.
Comment: This sequence change replaces serine, which is neutral and polar, with phenylalanine, which is neutral and non-polar, at codon 287 of the AXIN2 protein (p.Ser287Phe). This variant is not present in population databases (gnomAD no frequency). This variant has not been reported in the literature in individuals affected with AXIN2-related conditions. ClinVar contains an entry for this variant (Variation ID: 1387981). Advanced modeling of protein sequence and biophysical properties (such as structural, functional, and spatial information, amino acid conservation, physicochemical variation, residue mobility, and thermodynamic stability) performed at Invitae indicates that this missense variant is expected to disrupt AXIN2 protein function. In summary, the available evidence is currently insufficient to determine the role of this variant in disease. Therefore, it has been classified as a Variant of Uncertain Significance.